The following is an entry in ClinVar:

ClinVar aggregate classification (germline): Benign/Likely benign. Review status: criteria provided, multiple submitters, no conflicts (2 of 4 stars). 3 submissions from 3 submitters: Benign (2); Likely benign (1). Last evaluated 2025-11-04.

Conditions:
Microcytic anemia. Identifiers: MedGen C5194182, MONDO:0001245, HP:0001935. Disease mechanism: loss of function.

Allele frequency attached by ClinVar (database versions not stated): ESP Exome Variant Server 0.00215; gnomAD 0.00340 and 0.00370; 1000 Genomes Project 30x 0.00359; 1000 Genomes Project 0.00379; TOPMed 0.00395.
gnomAD v4.1: 993 of 1,613,400 alleles (0.062%); highest among the groups gnomAD compares: African/African-American, 1.1%; 5 homozygotes.

Submissions (3):

Mayo Clinic Laboratories, Mayo Clinic
Classification: Likely benign. Last evaluated: 2025-11-04. Review status: criteria provided, single submitter. Criteria: ACMG Guidelines, 2015. Collection method: clinical testing. Allele origin: germline. Observed: 2 variant alleles.
Comment: BS1, BS2, PP3_moderate

Labcorp Genetics (formerly Invitae), Labcorp
Classification: Benign. Last evaluated: 2025-08-04. Review status: criteria provided, single submitter. Criteria: Invitae Variant Classification Sherloc (09022015). Collection method: clinical testing. Allele origin: germline.

Illumina Laboratory Services, Illumina
Classification: Benign for Iron-refractory iron deficiency anemia. Last evaluated: 2018-01-13. Review status: criteria provided, single submitter. Criteria: ICSL Variant Classification Criteria 13 December 2019. Collection method: clinical testing. Allele origin: germline.
Comment: This variant was observed in the ICSL laboratory as part of a predisposition screen in an ostensibly healthy population. It had not been previously curated by ICSL or reported in the Human Gene Mutation Database (HGMD: prior to June 1st, 2018), and was therefore a candidate for classification through an automated scoring system. Utilizing variant allele frequency, disease prevalence and penetrance estimates, and inheritance mode, an automated score was calculated to assess if this variant is too frequent to cause the disease. Based on the score and internal cut-off values, a variant classified as benign is not then subjected to further curation. The score for this variant resulted in a classification of benign for this disease.

NM_001374504.1(TMPRSS6):c.1627G>A (p.Asp543Asn)

Gene: TMPRSS6 (transmembrane serine protease 6; minus strand). Cytogenetic location: 22q12.3.
Variant type: single nucleotide variant.
Coding change: c.1627G>A on transcript NM_001374504.1 (MANE Select); coding-DNA position 1627, G replaced by A.
Protein change: p.Asp543Asn; replaces aspartic acid 543 with asparagine.
Molecular consequence: missense variant.
Genome position (GRCh38, 1-based): chr22:37,070,961, C>T on the plus strand (G>A on the coding strand, the complement: TMPRSS6 is on the minus strand). VCF-style: chr22-37070961-C-T. GRCh37 (hg19) VCF-style: chr22-37467001-C-T.
Other names: p.Asp552Asn; c.1627G>A, p.Asp543Asn (NM_001289000.2, NM_001289001.2, NM_153609.4); short protein forms D552N, D543N.
Identifiers: ClinVar variation 341583 (VCV000341583.14), dbSNP rs76970337, ClinGen allele CA10215533.
Genomic context (GRCh38, chr22:37,070,961, plus strand): 5'-CCAGGCAGGGCTCACCACAGTGCTCCTCATCCGAGCCGTCCCTGCAGTCGGGCCGCCCAT[C>T]ACACTGCGGGTTGGGCTTCTTCACGCAGCTCCGGTCCTCACACTGGAAGGTGAATGTCCC-3'
Protein context (NP_001361433.1, residues 533-553): SCVKKPNPQC[Asp543Asn]GRPDCRDGSD